The following is an entry in ClinVar:

ClinVar aggregate classification (germline): Uncertain significance (1 of 4 stars; one submission).

Submission:

Women's Health and Genetics/Laboratory Corporation of America, LabCorp
Classification: Uncertain significance. Last evaluated: 2025-01-28. Review status: criteria provided, single submitter. Criteria: LabCorp Variant Classification Summary - May 2015. Collection method: clinical testing. Allele origin: germline.
Comment: Variant summary: GBA1 c.182A>G (p.Tyr61Cys) results in a non-conservative amino acid change in the encoded protein sequence. Five of five in-silico tools predict a damaging effect of the variant on protein function. The variant was absent in 1613930 control chromosomes. c.182A>G has been reported in the literature in individuals affected with Gaucher Disease (examples: Feng_2018, Damor_2021). These data indicate that the variant may be associated with disease. To our knowledge, no experimental evidence demonstrating an impact on protein function has been reported. The following publications have been ascertained in the context of this evaluation (PMID: 27865684, 34649574). No submitters have cited clinical-significance assessments for this variant to ClinVar. Based on the evidence outlined above, the variant was classified as VUS-possibly pathogenic.

Literature cited by the submitters: PubMed 27865684; PubMed 34649574.

NM_000157.4(GBA1):c.182A>G (p.Tyr61Cys)

Genes: GBA1 (glucosylceramidase beta 1; minus strand), LOC106627981 (GBA recombination region; plus strand). Cytogenetic location: 1q22.
Variant type: single nucleotide variant.
Coding change: c.182A>G on transcript NM_000157.4 (MANE Select); coding-DNA position 182, A replaced by G.
Protein change: p.Tyr61Cys; replaces tyrosine 61 with cysteine.
Molecular consequence: missense variant. On other transcripts: 5 prime UTR variant (1).
Genome position (GRCh38, 1-based): chr1:155,240,011, T>C on the plus strand (A>G on the coding strand, the complement: GBA1 is on the minus strand). VCF-style: chr1-155240011-T-C. GRCh37 (hg19) VCF-style: chr1-155209802-T-C.
Other names: c.182A>G, p.Tyr61Cys (NM_001005741.3, NM_001005742.3, NM_001171812.2); c.-80A>G (NM_001171811.2); short protein forms Y61C.
Identifiers: ClinVar variation 3769372 (VCV003769372.2).